The following is an entry in ClinVar:

NM_002471.4(MYH6):c.4945C>T (p.Gln1649Ter)

Genes: MYH6 (myosin heavy chain 6; minus strand), LOC126861896 (BRD4-independent group 4 enhancer GRCh37_chr14:23854904-23856103; plus strand). Cytogenetic location: 14q11.2.
Variant type: single nucleotide variant.
Coding change: c.4945C>T on transcript NM_002471.4 (MANE Select); coding-DNA position 4945, C replaced by T.
Protein change: p.Gln1649Ter; replaces glutamine 1649 with a stop codon.
Molecular consequence: nonsense.
Genome position (GRCh38, 1-based): chr14:23,386,329, G>A on the plus strand (C>T on the coding strand, the complement: MYH6 is on the minus strand). VCF-style: chr14-23386329-G-A. GRCh37 (hg19) VCF-style: chr14-23855538-G-A.
Other names: short protein forms Q1649*.
Identifiers: ClinVar variation 2089292 (VCV002089292.4), dbSNP rs1891020601, ClinGen allele CA388990925.

ClinVar aggregate classification (germline): Uncertain significance (1 of 4 stars; one submission).

Conditions:
Hypertrophic cardiomyopathy 14. Identifiers: MedGen C2750467, MONDO:0013197, OMIM 613251.

Allele frequency attached by ClinVar (database versions not stated): TOPMed below 0.00001; gnomAD 0.00001.
gnomAD v4.1: 1 of 1,614,004 alleles (0.000062%); highest among the groups gnomAD compares: East Asian, 0.0022%; no homozygotes.

Submission:

Labcorp Genetics (formerly Invitae), Labcorp
Classification: Uncertain significance for Hypertrophic cardiomyopathy 14. Last evaluated: 2022-01-23. Review status: criteria provided, single submitter. Criteria: Invitae Variant Classification Sherloc (09022015). Collection method: clinical testing. Allele origin: germline.
Comment: In summary, the available evidence is currently insufficient to determine the role of this variant in disease. Therefore, it has been classified as a Variant of Uncertain Significance. This variant has not been reported in the literature in individuals affected with MYH6-related conditions. This variant is not present in population databases (gnomAD no frequency). This sequence change creates a premature translational stop signal (p.Gln1649*) in the MYH6 gene. It is expected to result in an absent or disrupted protein product. However, the current clinical and genetic evidence is not sufficient to establish whether loss-of-function variants in MYH6 cause disease.